The following is an entry in ClinVar:

ClinVar aggregate classification (germline): Uncertain significance (1 of 4 stars; one submission).

Allele frequency attached by ClinVar (database versions not stated): gnomAD exomes 0.00001; TOPMed 0.00001.
gnomAD v4.1: 7 of 1,612,720 alleles (0.00043%); highest among the groups gnomAD compares: African/African-American, 0.0053%; no homozygotes.

Submission:

Labcorp Genetics (formerly Invitae), Labcorp
Classification: Uncertain significance. Last evaluated: 2022-02-20. Review status: criteria provided, single submitter. Criteria: Invitae Variant Classification Sherloc (09022015). Collection method: clinical testing. Allele origin: germline.
Comment: This sequence change replaces isoleucine, which is neutral and non-polar, with leucine, which is neutral and non-polar, at codon 382 of the IL6R protein (p.Ile382Leu). This variant is present in population databases (no rsID available, gnomAD 0.003%). This variant has not been reported in the literature in individuals affected with IL6R-related conditions. Algorithms developed to predict the effect of missense changes on protein structure and function (SIFT, PolyPhen-2, Align-GVGD) all suggest that this variant is likely to be tolerated. In summary, the available evidence is currently insufficient to determine the role of this variant in disease. Therefore, it has been classified as a Variant of Uncertain Significance.

NM_000565.4(IL6R):c.1144A>C (p.Ile382Leu)

Gene: IL6R (interleukin 6 receptor; plus strand). Cytogenetic location: 1q21.3.
Variant type: single nucleotide variant.
Coding change: c.1144A>C on transcript NM_000565.4 (MANE Select); coding-DNA position 1144, A replaced by C.
Protein change: p.Ile382Leu; replaces isoleucine 382 with leucine.
Molecular consequence: missense variant. On other transcripts: intron variant (2).
Genome position (GRCh38, 1-based): chr1:154,454,565, A>C. VCF-style: chr1-154454565-A-C. GRCh37 (hg19) VCF-style: chr1-154427041-A-C.
Other names: c.1243A>C, p.Ile415Leu (NM_001382769.1); c.1237A>C, p.Ile413Leu (NM_001382770.1); c.1192A>C, p.Ile398Leu (NM_001382771.1); c.1138A>C, p.Ile380Leu (NM_001382772.1); c.784A>C, p.Ile262Leu (NM_001382774.1); c.1114+4585A>C (NM_001382773.1); c.1066+4585A>C (NM_181359.3); short protein forms I380L, I382L, I262L, I398L, I413L, I415L.
Identifiers: ClinVar variation 1926628 (VCV001926628.2), dbSNP rs1012615215, ClinGen allele CA30809781.
Genomic context (GRCh38, chr1:154,454,565, plus strand): 5'-GTACCACTGCCCACATTCCTGGTTGCTGGAGGGAGCCTGGCCTTCGGAACGCTCCTCTGC[A>C]TTGCCATTGTTCTGAGGTGAGATGGGTCCCAGGGGATGGCCCTGTGGTGTTCTCATATTT-3'
Protein context (NP_000556.1, residues 372-392): GSLAFGTLLC[Ile382Leu]AIVLRFKKTW